The following is an entry in ClinVar:

ClinVar aggregate classification (germline): Uncertain significance (1 of 4 stars; one submission).

Allele frequency attached by ClinVar (database versions not stated): gnomAD exomes below 0.00001; gnomAD 0.00001.
gnomAD v4.1: 4 of 1,599,138 alleles (0.00025%); highest among the groups gnomAD compares: Non-Finnish European, 0.00034%; no homozygotes.

Submissions (2):

Labcorp Genetics (formerly Invitae), Labcorp
Classification: Uncertain significance. Last evaluated: 2025-06-02. Review status: criteria provided, single submitter. Criteria: Invitae Variant Classification Sherloc (09022015). Collection method: clinical testing. Allele origin: germline.
Comment: This sequence change affects a donor splice site in intron 8 of the MICAL1 gene. It is expected to disrupt RNA splicing. Variants that disrupt the donor or acceptor splice site typically lead to a loss of protein function (PMID: 16199547), however the current clinical and genetic evidence is not sufficient to establish whether loss-of-function variants in MICAL1 cause disease. This variant is not present in population databases (gnomAD no frequency). This variant has not been reported in the literature in individuals affected with MICAL1-related conditions. ClinVar contains an entry for this variant (Variation ID: 2414094). Algorithms developed to predict the effect of sequence changes on RNA splicing suggest that this variant may disrupt the consensus splice site. In summary, the available evidence is currently insufficient to determine the role of this variant in disease. Therefore, it has been classified as a Variant of Uncertain Significance.

Dr. Peter K. Rogan Lab, Western University
No classification provided (evidence only). Condition: Ovarian serous cystadenocarcinoma. Review status: no classification provided. Collection method: in vitro. Allele origin: not applicable. Functional consequence: skipped exon, retained intron. Not counted in ClinVar's aggregate classification.

Literature cited by the submitters: PubMed 16199547 (cited by Labcorp Genetics (formerly Invitae), Labcorp).

NM_022765.4(MICAL1):c.1191+2T>C

Gene: MICAL1 (microtubule associated monooxygenase, calponin and LIM domain containing 1; minus strand). Cytogenetic location: 6q21.
Variant type: single nucleotide variant.
Coding change: c.1191+2T>C on transcript NM_022765.4 (MANE Select); the canonical splice donor site of the intron after coding-DNA position 1191, T replaced by C.
Molecular consequence: splice donor variant. On other transcripts: intron variant (1).
Genome position (GRCh38, 1-based): chr6:109,450,298, A>G on the plus strand (T>C on the coding strand, the complement: MICAL1 is on the minus strand). VCF-style: chr6-109450298-A-G. GRCh37 (hg19) VCF-style: chr6-109771501-A-G.
Other names: c.1248+2T>C (NM_001286613.2); c.934-213T>C (NM_001159291.2).
Identifiers: ClinVar variation 2414094 (VCV002414094.8), dbSNP rs1219592650, ClinGen allele CA365230684.
Genomic context (GRCh38, chr6:109,450,298, plus strand): 5'-CCTCCATACTAGGCAGCTCCCTCCCCTAACCATGAAACCCCTGTGCCTCCTGAACCCCTC[A>G]CCTCCACCAGGCAGTCCCCCACCAGTCCCAGCAGCAGGCGGGCGCCATGCTTCTCTTGCA-3'